The following is an entry in ClinVar:

ClinVar aggregate classification (germline): Uncertain significance (1 of 4 stars; one submission).

Conditions:
Pyridoxine-dependent epilepsy (EPEO4). Also called: PYRIDOXINE DEPENDENCY WITH SEIZURES; Pyridoxine-Dependent Epilepsy - ALDH7A1; EPILEPSY, EARLY-ONSET, 4, VITAMIN B6-DEPENDENT; Pyridoxine-Dependent Seizures. Identifiers: Orphanet 3006, MedGen C1849508, MONDO:0009945, OMIM 266100. Disease mechanism: loss of function.

Allele frequency attached by ClinVar (database versions not stated): TOPMed below 0.00001.

Submission:

Labcorp Genetics (formerly Invitae), Labcorp
Classification: Uncertain significance for Pyridoxine-dependent epilepsy. Last evaluated: 2019-10-06. Review status: criteria provided, single submitter. Criteria: Invitae Variant Classification Sherloc (09022015). Collection method: clinical testing. Allele origin: germline.
Comment: This sequence change replaces glycine with arginine at codon 20 of the ALDH7A1 protein (p.Gly20Arg). The glycine residue is weakly conserved and there is a moderate physicochemical difference between glycine and arginine. This variant is not present in population databases (ExAC no frequency). This variant has not been reported in the literature in individuals with ALDH7A1-related conditions. Algorithms developed to predict the effect of missense changes on protein structure and function output the following: SIFT: "Tolerated"; PolyPhen-2: "Benign"; Align-GVGD: "Class C0". The arginine amino acid residue is found in multiple mammalian species, suggesting that this missense change does not adversely affect protein function. These predictions have not been confirmed by published functional studies and their clinical significance is uncertain. In summary, the available evidence is currently insufficient to determine the role of this variant in disease. Therefore, it has been classified as a Variant of Uncertain Significance.

NM_001182.5(ALDH7A1):c.58G>A (p.Gly20Arg)

Gene: ALDH7A1 (aldehyde dehydrogenase 7 family member A1; minus strand). Cytogenetic location: 5q23.2.
Variant type: single nucleotide variant.
Coding change: c.58G>A on transcript NM_001182.5 (MANE Select); coding-DNA position 58, G replaced by A.
Protein change: p.Gly20Arg; replaces glycine 20 with arginine.
Molecular consequence: missense variant. On other transcripts: 5 prime UTR variant (1).
Genome position (GRCh38, 1-based): chr5:126,595,141, C>T on the plus strand (G>A on the coding strand, the complement: ALDH7A1 is on the minus strand). VCF-style: chr5-126595141-C-T. GRCh37 (hg19) VCF-style: chr5-125930833-C-T.
Other names: c.-27G>A (NM_001201377.2); c.58G>A, p.Gly20Arg (NM_001202404.2); short protein forms G20R.
Identifiers: ClinVar variation 966040 (VCV000966040.10), dbSNP rs1751702703, ClinGen allele CA360733935.
Genomic context (GRCh38, chr5:126,595,141, plus strand): 5'-CATACTGGGGCTGATTGATGAGGAGAGTGGACATGAAGGCGGCAGGCCTGCTCCAAGGTC[C>T]AGAGAGCTTGCTGGTCTTTGCAGCGTGCACACACAGCGCGCGAGGAAGGCGCCACATACT-3'
Protein context (NP_001173.2, residues 10-30): VHAAKTSKLS[Gly20Arg]PWSRPAAFMS